The following is an entry in ClinVar:

ClinVar aggregate classification (germline): Uncertain significance. Review status: criteria provided, single submitter (1 of 4 stars). 2 submissions from 2 submitters: Uncertain significance (1). 1 of the submissions does not count toward it. Last evaluated 2025-04-16.

Conditions:
Retinal dystrophy. Also called: Inherited retinal dystrophy. Identifiers: Orphanet 71862, MedGen C0854723, MeSH D058499, MONDO:0019118, HP:0000556.

Allele frequency attached by ClinVar (database versions not stated): ExAC 0.00005; gnomAD exomes 0.00006 and 0.00011; TOPMed 0.00006; gnomAD 0.00011.
gnomAD v4.1: 183 of 1,613,872 alleles (0.011%); highest among the groups gnomAD compares: Admixed American, 0.015%; no homozygotes.

Submissions (2):

Labcorp Genetics (formerly Invitae), Labcorp
Classification: Uncertain significance. Last evaluated: 2025-04-16. Review status: criteria provided, single submitter. Criteria: Invitae Variant Classification Sherloc (09022015). Collection method: clinical testing. Allele origin: germline.
Comment: This sequence change replaces alanine, which is neutral and non-polar, with serine, which is neutral and polar, at codon 839 of the CACNA2D4 protein (p.Ala839Ser). This variant is present in population databases (rs756604812, gnomAD 0.01%). This variant has not been reported in the literature in individuals affected with CACNA2D4-related conditions. ClinVar contains an entry for this variant (Variation ID: 852307). An algorithm developed to predict the effect of missense changes on protein structure and function (PolyPhen-2) suggests that this variant is likely to be tolerated. In summary, the available evidence is currently insufficient to determine the role of this variant in disease. Therefore, it has been classified as a Variant of Uncertain Significance.

Institute of Human Genetics, Univ. Regensburg, Univ. Regensburg
Classification: Uncertain significance for Retinal dystrophy. Last evaluated: 2022-01-01. Review status: no assertion criteria provided. Criteria: ACMG Guidelines, 2015. Collection method: clinical testing. Allele origin: germline. Affected: yes. Not counted in ClinVar's aggregate classification.

NM_172364.5(CACNA2D4):c.2515G>T (p.Ala839Ser)

Gene: CACNA2D4 (calcium voltage-gated channel auxiliary subunit alpha2delta 4; minus strand). Cytogenetic location: 12p13.33.
Variant type: single nucleotide variant.
Coding change: c.2515G>T on transcript NM_172364.5 (MANE Select); coding-DNA position 2515, G replaced by T.
Protein change: p.Ala839Ser; replaces alanine 839 with serine.
Molecular consequence: missense variant.
Genome position (GRCh38, 1-based): chr12:1,840,775, C>A on the plus strand (G>T on the coding strand, the complement: CACNA2D4 is on the minus strand). VCF-style: chr12-1840775-C-A. GRCh37 (hg19) VCF-style: chr12-1949941-C-A.
Other names: short protein forms A839S.
Identifiers: ClinVar variation 852307 (VCV000852307.10), dbSNP rs756604812, ClinGen allele CA6386658.
Genomic context (GRCh38, chr12:1,840,775, plus strand): 5'-CAACACCACAAGGGCCGTTCCTACCTGCAGCAATGGCTGTCCTCTTGTCCACGGTCACCG[C>A]CACAGCTGTGCTTGCCGTCACCACCATGGGTTCACCCGCACTTTCTGGGGAAACAGAGAC-3'
Protein context (NP_758952.4, residues 829-849): PMVVTASTAV[Ala839Ser]VTVDKRTAIA